The following is an entry in ClinVar:

NM_001378609.3(OTOGL):c.6901A>G (p.Thr2301Ala)

Gene: OTOGL (otogelin like; plus strand). Cytogenetic location: 12q21.31.
Variant type: single nucleotide variant.
Coding change: c.6901A>G on transcript NM_001378609.3 (MANE Select); coding-DNA position 6901, A replaced by G.
Protein change: p.Thr2301Ala; replaces threonine 2301 with alanine.
Molecular consequence: missense variant.
Genome position (GRCh38, 1-based): chr12:80,377,887, A>G. VCF-style: chr12-80377887-A-G. GRCh37 (hg19) VCF-style: chr12-80771667-A-G.
Other names: c.6766A>G, p.Thr2256Ala (NM_001368062.3); c.6901A>G, p.Thr2301Ala (NM_001378610.3, NM_173591.7); c.6874A>G (NM_173591.3); short protein forms T2256A, T2301A.
Identifiers: ClinVar variation 930165 (VCV000930165.8), dbSNP rs778901457, ClinGen allele CA6702195.

ClinVar aggregate classification (germline): Uncertain significance. Review status: criteria provided, multiple submitters, no conflicts (2 of 4 stars). 3 submissions from 3 submitters: Uncertain significance (3). Last evaluated 2025-10-29.

Conditions:
Inborn genetic diseases. Identifiers: MedGen C0950123, MeSH D030342.

Allele frequency attached by ClinVar (database versions not stated): gnomAD 0.00001; gnomAD exomes 0.00001 and 0.00004; TOPMed 0.00003; ExAC 0.00008.
gnomAD v4.1: 20 of 1,611,758 alleles (0.0012%); highest among the groups gnomAD compares: East Asian, 0.045%; no homozygotes.

Submissions (3):

Ambry Genetics
Classification: Uncertain significance for Inborn genetic diseases. Last evaluated: 2025-10-29. Review status: criteria provided, single submitter. Criteria: Ambry Variant Classification Scheme 2023. Collection method: clinical testing. Allele origin: germline.

Laboratory for Molecular Medicine, Mass General Brigham Personalized Medicine
Classification: Uncertain significance. Last evaluated: 2019-12-23. Review status: criteria provided, single submitter. Criteria: LMM Criteria. Collection method: clinical testing. Allele origin: germline. Observed: 1 variant allele.
Comment: The p.Thr2292Ala variant in OTOGL has not been previously reported in individuals with hearing loss but has been identified in 0.06% (11/18294) of East Asian chromosomes by gnomAD. Computational prediction tools and conservation analyses do not provide strong support for or against an impact to the protein. In summary, the clinical significance of this variant is uncertain. ACMG/AMP Criteria applied: PM2_Supporting.

Blueprint Genetics
Classification: Uncertain significance. Last evaluated: 2019-02-27. Review status: criteria provided, single submitter. Criteria: ACMG Guidelines, 2015. Collection method: clinical testing. Allele origin: germline.